The following is an entry in ClinVar:

ClinVar aggregate classification (germline): Uncertain significance (1 of 4 stars; one submission).

Submission:

Labcorp Genetics (formerly Invitae), Labcorp
Classification: Uncertain significance. Last evaluated: 2022-02-20. Review status: criteria provided, single submitter. Criteria: Invitae Variant Classification Sherloc (09022015). Collection method: clinical testing. Allele origin: germline.
Comment: In summary, the available evidence is currently insufficient to determine the role of this variant in disease. Therefore, it has been classified as a Variant of Uncertain Significance. Algorithms developed to predict the effect of missense changes on protein structure and function output the following: SIFT: "Tolerated"; PolyPhen-2: "Benign"; Align-GVGD: "Class C0". The asparagine amino acid residue is found in multiple mammalian species, which suggests that this missense change does not adversely affect protein function. This variant has not been reported in the literature in individuals affected with TYRP1-related conditions. This variant is not present in population databases (gnomAD no frequency). This sequence change replaces serine, which is neutral and polar, with asparagine, which is neutral and polar, at codon 506 of the TYRP1 protein (p.Ser506Asn).

NM_000550.3(TYRP1):c.1517G>A (p.Ser506Asn)

Genes: LURAP1L-AS1 (LURAP1L antisense RNA 1; minus strand), TYRP1 (tyrosinase related protein 1; plus strand). Cytogenetic location: 9p23.
Variant type: single nucleotide variant.
Coding change: c.1517G>A on transcript NM_000550.3 (MANE Select); coding-DNA position 1517, G replaced by A.
Protein change: p.Ser506Asn; replaces serine 506 with asparagine.
Molecular consequence: missense variant.
Genome position (GRCh38, 1-based): chr9:12,709,085, G>A. VCF-style: chr9-12709085-G-A. GRCh37 (hg19) VCF-style: chr9-12709085-G-A.
Other names: short protein forms S506N.
Identifiers: ClinVar variation 1983974 (VCV001983974.4), dbSNP rs2537294998, ClinGen allele CA372932556.